The following is an entry in ClinVar:

ClinVar aggregate classification (germline): Pathogenic/Likely pathogenic. Review status: criteria provided, multiple submitters, no conflicts (2 of 4 stars). 3 submissions from 3 submitters: Pathogenic (2); Likely pathogenic (1). Last evaluated 2024-05-12.

Conditions:
Familial cancer of breast. Also called: BREAST CANCER, FAMILIAL; Hereditary breast cancer; hereditary breast carcinoma. Identifiers: Orphanet 227535, MedGen C0346153, MONDO:0016419, OMIM 114480. Disease mechanism: loss of function.
Fanconi anemia complementation group J. Also called: BRIP1-Related Fanconi Anemia. Identifiers: Orphanet 84, MedGen C1836860, MONDO:0012187, OMIM 609054.

Submissions (3):

Fulgent Genetics
Classification: Likely pathogenic for Familial cancer of breast; Fanconi anemia complementation group J. Last evaluated: 2024-05-12. Review status: criteria provided, single submitter. Criteria: ACMG Guidelines, 2015. Collection method: clinical testing. Allele origin: germline.

Myriad Genetics, Inc.
Classification: Pathogenic for Familial cancer of breast. Last evaluated: 2023-06-07. Review status: criteria provided, single submitter. Criteria: Myriad Autosomal Dominant, Autosomal Recessive and X-Linked Classification Criteria (2023). Collection method: clinical testing. Allele origin: unknown.
Comment: This variant is considered pathogenic. This variant creates a termination codon and is predicted to result in premature protein truncation.

Labcorp Genetics (formerly Invitae), Labcorp
Classification: Pathogenic for Familial cancer of breast; Fanconi anemia complementation group J. Last evaluated: 2022-04-12. Review status: criteria provided, single submitter. Criteria: Invitae Variant Classification Sherloc (09022015). Collection method: clinical testing. Allele origin: germline.
Comment: This variant is not present in population databases (gnomAD no frequency). This sequence change creates a premature translational stop signal (p.Gln866*) in the BRIP1 gene. It is expected to result in an absent or disrupted protein product. Loss-of-function variants in BRIP1 are known to be pathogenic (PMID: 16116423, 17033622, 21964575). For these reasons, this variant has been classified as Pathogenic. This variant has not been reported in the literature in individuals affected with BRIP1-related conditions.

Literature cited by the submitters: PubMed 16116423 (cited by Labcorp Genetics (formerly Invitae), Labcorp); PubMed 17033622 (cited by Labcorp Genetics (formerly Invitae), Labcorp); PubMed 21964575 (cited by Labcorp Genetics (formerly Invitae), Labcorp).

NM_032043.3(BRIP1):c.2596C>T (p.Gln866Ter)

Gene: BRIP1 (BRCA1 interacting DNA helicase 1; minus strand). Cytogenetic location: 17q23.2.
Variant type: single nucleotide variant.
Coding change: c.2596C>T on transcript NM_032043.3 (MANE Select); coding-DNA position 2596, C replaced by T.
Protein change: p.Gln866Ter; replaces glutamine 866 with a stop codon.
Molecular consequence: nonsense.
Genome position (GRCh38, 1-based): chr17:61,686,145, G>A on the plus strand (C>T on the coding strand, the complement: BRIP1 is on the minus strand). VCF-style: chr17-61686145-G-A. GRCh37 (hg19) VCF-style: chr17-59763506-G-A.
Other names: short protein forms Q866*.
Identifiers: ClinVar variation 2125369 (VCV002125369.7), dbSNP rs2544574598, ClinGen allele CA400481978.
Genomic context (GRCh38, chr17:61,686,145, plus strand): 5'-TGGAAAATTCAGCCAAGGATTCCAGTGCACTTTCAAAGGTTGAATGGTGCTGAATCTGCT[G>A]CCGTACCCATTTAGAAAGTCCTAAAGAAAAAGGTAAACCCAGGGAAAATTTGGTTACTTA-3'